The following is an entry in ClinVar:

NM_000206.3(IL2RG):c.269+1G>T

Gene: IL2RG (interleukin 2 receptor subunit gamma; minus strand). Cytogenetic location: Xq13.1.
Variant type: single nucleotide variant.
Coding change: c.269+1G>T on transcript NM_000206.3 (MANE Select); the canonical splice donor site of the intron after coding-DNA position 269, G replaced by T.
Molecular consequence: splice donor variant.
Genome position (GRCh38, 1-based): chrX:71,110,896, C>A on the plus strand (G>T on the coding strand, the complement: IL2RG is on the minus strand). VCF-style: chrX-71110896-C-A. GRCh37 (hg19) VCF-style: chrX-70330746-C-A.
Identifiers: ClinVar variation 1028611 (VCV001028611.8), dbSNP rs2092262300, ClinGen allele CA413496954.
Genomic context (GRCh38, chrX:71,110,896, plus strand): 5'-CTCTTGGTCTCTGATCCAACCCACCTCTTCTTCATCCCCTCCCCCTCGTCCCTTCTCATA[C>A]CAATAATGCAGAGTGAGGTTGGTAGGCTGGGGCTCAGAGCTGCTGTTCCAAGTGCAATTC-3'

ClinVar aggregate classification (germline): Pathogenic. Review status: reviewed by expert panel (3 of 4 stars). 3 submissions from 3 submitters: Pathogenic (1). 2 of the submissions do not count toward it. Last evaluated 2024-01-30.

Conditions:
Combined immunodeficiency, X-linked (CIDX). Also called: IMMUNODEFICIENCY 6. Identifiers: MedGen C6022467, MONDO:0010730, OMIM 312863.
X-linked severe combined immunodeficiency (SCIDX1). Also called: X-Linked Combined Immunodeficiency Diseases; IMMUNODEFICIENCY 4; SCID, X-LINKED; SEVERE COMBINED IMMUNODEFICIENCY, X-LINKED, T CELL-NEGATIVE, B CELL-POSITIVE, NK CELL-NEGATIVE; T-B+ severe combined immunodeficiency due to gamma chain deficiency. Identifiers: Orphanet 276, MedGen C6022468, MONDO:0010315, OMIM 300400. Disease mechanism: loss of function.

Submissions (3):

ClinGen Severe Combined Immunodeficiency Variant Curation Expert Panel, ClinGen
Classification: Pathogenic for X-linked severe combined immunodeficiency. Last evaluated: 2024-01-30. Review status: reviewed by expert panel. Criteria: ClinGen SCID ACMG Specifications IL2RG V1.0.0. Collection method: curation. Allele origin: germline. Inheritance: X-linked inheritance.
Comment: The c.269+1G>T (NM_000206.3) variant in IL2RG occurs within the canonical donor splice site (+1) of intron 2. The variant is predicted by SpliceAI to affect splicing. It is expected to cause skipping of a biologically relevant exon 2 resulting in a frameshift (p.Asp39Glyfs*57) leading to nonsense mediated decay in a gene in which loss of function is an established disease mechanism (PVS1). The variant is absent in gnomAD v4 (PM2_supporting). In summary, this variant meets the criteria to be classified as a Pathogenic variant for X-linked severe combined immunodeficiency due to IL2RG deficiency based on the ACMG/AMP criteria applied, as specified by the ClinGen SCID VCEP: PVS1,PM2_supporting,PP4_Moderate (VCEP specifications version 1).

Labcorp Genetics (formerly Invitae), Labcorp
Classification: Pathogenic for X-linked severe combined immunodeficiency. Last evaluated: 2021-10-30. Review status: criteria provided, single submitter. Criteria: Invitae Variant Classification Sherloc (09022015). Collection method: clinical testing. Allele origin: germline. Not counted in ClinVar's aggregate classification.
Comment: ClinVar contains an entry for this variant (Variation ID: 1028611). This sequence change affects a donor splice site in intron 2 of the IL2RG gene. It is expected to disrupt RNA splicing. Variants that disrupt the donor or acceptor splice site typically lead to a loss of protein function (PMID: 16199547), and loss-of-function variants in IL2RG are known to be pathogenic (PMID: 9058718, 10794430). This variant is not present in population databases (gnomAD no frequency). Disruption of this splice site has been observed in individual(s) with severe combined immunodeficiency (PMID: 9058718, 33628209). Algorithms developed to predict the effect of sequence changes on RNA splicing suggest that this variant may disrupt the consensus splice site. For these reasons, this variant has been classified as Pathogenic.

Baylor Genetics
Classification: Likely pathogenic for Combined immunodeficiency, X-linked. Last evaluated: 2020-06-10. Review status: criteria provided, single submitter. Criteria: ACMG Guidelines, 2015. Collection method: clinical testing. Allele origin: unknown. Affected: yes. Not counted in ClinVar's aggregate classification.
Comment: This variant was determined to be likely pathogenic according to ACMG Guidelines, 2015 [PMID:25741868].

Literature cited by the submitters: PubMed 16199547 (cited by Labcorp Genetics (formerly Invitae), Labcorp); PubMed 9058718 (cited by Labcorp Genetics (formerly Invitae), Labcorp); PubMed 10794430 (cited by Labcorp Genetics (formerly Invitae), Labcorp); PubMed 33628209 (cited by Labcorp Genetics (formerly Invitae), Labcorp).